The following is an entry in ClinVar:

NM_001042492.3(NF1):c.7063-327dup

Gene: NF1 (neurofibromin 1; plus strand). Cytogenetic location: 17q11.2.
Variant type: Duplication.
Coding change: c.7063-327dup on transcript NM_001042492.3 (MANE Select); 327 bases into the intron before coding-DNA position 7063, one base duplicated (A; older notation c.7063-327dupA).
Molecular consequence: intron variant.
Genome position (GRCh38, 1-based): chr17:31,342,682, A duplicated. VCF-style (leftmost placement, unchanged base first): chr17-31342681-G-GA. GRCh37 (hg19) VCF-style: chr17-29669699-G-GA.
Other names: c.7000-328_7000-327insA (NM_000267.3); c.7000-327dup (NM_000267.4).
Identifiers: ClinVar variation 561914 (VCV000561914.1), dbSNP rs150011423, ClinGen allele CA289395705.

ClinVar aggregate classification (germline): Benign (1 of 4 stars; one submission).

Allele frequency attached by ClinVar (database versions not stated): 1000 Genomes Project 30x 0.01624; gnomAD 0.01826 and 0.01973; TOPMed 0.02031; 1000 Genomes Project 0.01398.

Submission:

GeneDx
Classification: Benign. Last evaluated: 2018-06-14. Review status: criteria provided, single submitter. Criteria: GeneDx Variant Classification (06012015). Collection method: clinical testing. Allele origin: germline. Affected: yes.
Comment: This variant is considered likely benign or benign based on one or more of the following criteria: it is a conservative change, it occurs at a poorly conserved position in the protein, it is predicted to be benign by multiple in silico algorithms, and/or has population frequency not consistent with disease.